The following is an entry in ClinVar:

ClinVar aggregate classification (germline): Uncertain significance (1 of 4 stars; one submission).

Conditions:
Hereditary cancer-predisposing syndrome. Also called: Neoplastic Syndromes, Hereditary; Tumor predisposition; Hereditary neoplastic syndrome; Hereditary Cancer Syndrome. Identifiers: Orphanet 140162, MedGen C0027672, MeSH D009386, MONDO:0015356.

Submission:

Ambry Genetics
Classification: Uncertain significance for Hereditary cancer-predisposing syndrome. Last evaluated: 2023-12-16. Review status: criteria provided, single submitter. Criteria: Ambry Variant Classification Scheme 2023. Collection method: clinical testing. Allele origin: germline.
Comment: The p.N64H variant (also known as c.190A>C), located in coding exon 2 of the FH gene, results from an A to C substitution at nucleotide position 190. The asparagine at codon 64 is replaced by histidine, an amino acid with similar properties. This amino acid position is conserved. In addition, the in silico prediction for this alteration is inconclusive. Since supporting evidence is limited at this time, the clinical significance of this alteration remains unclear.

NM_000143.4(FH):c.190A>C (p.Asn64His)

Gene: FH (fumarate hydratase; minus strand). Cytogenetic location: 1q43.
Variant type: single nucleotide variant.
Coding change: c.190A>C on transcript NM_000143.4 (MANE Select); coding-DNA position 190, A replaced by C.
Protein change: p.Asn64His; replaces asparagine 64 with histidine.
Molecular consequence: missense variant.
Genome position (GRCh38, 1-based): chr1:241,517,259, T>G on the plus strand (A>C on the coding strand, the complement: FH is on the minus strand). VCF-style: chr1-241517259-T-G. GRCh37 (hg19) VCF-style: chr1-241680559-T-G.
Other names: short protein forms N64H.
Identifiers: ClinVar variation 3230444 (VCV003230444.1), dbSNP rs886046319, ClinGen allele CA345441882.